The following is an entry in ClinVar:

ClinVar aggregate classification (germline): Pathogenic. Review status: criteria provided, single submitter (1 of 4 stars). 2 submissions from 2 submitters: Pathogenic (1). 1 of the submissions does not count toward it. Last evaluated 2022-03-23.

Conditions:
Hereditary von Willebrand disease. Identifiers: Orphanet 903, MedGen C5703318, MONDO:0019565. Inheritance: Autosomal recessive or Autosomal dominant.

Submissions (2):

Women's Health and Genetics/Laboratory Corporation of America, LabCorp
Classification: Pathogenic for von Willebrand disorder. Last evaluated: 2022-03-23. Review status: criteria provided, single submitter. Criteria: LabCorp Variant Classification Summary - May 2015. Collection method: clinical testing. Allele origin: germline.
Comment: Variant summary: VWF c.4628C>T (p.Ser1543Phe) results in a non-conservative amino acid change located in the type A2 domain (IPR002035), which is considered to be a shear-sensor domain, regulated by hydrodynamic shear force-dependent unfolding (Zhang_2009). Five of five in-silico tools predict a damaging effect of the variant on protein function. The variant was absent in 250514 control chromosomes (gnomAD). The variant c.4628C>T (aka. Ser780Phe) has been reported in the literature in heterozygous state in multiple individuals affected with Type2A von Willebrand Disease (Meyer_1997, Gindele_2021), and in one of these reports the variant showed segregation with the phenotype in a family (Gindele_2021). These data indicate that the variant is likely to be associated with disease. To our knowledge, no experimental evidence demonstrating an impact on protein function has been reported. No clinical diagnostic laboratories have submitted clinical-significance assessments for this variant to ClinVar after 2014. Based on the evidence outlined above, the variant was classified as pathogenic.

Academic Unit of Haematology, University of Sheffield
No classification provided. Review status: no classification provided. Collection method: not provided. Allele origin: not provided. Not counted in ClinVar's aggregate classification.

Literature cited by the submitters: PubMed 26986123 (cited by Women's Health and Genetics/Laboratory Corporation of America, LabCorp); PubMed 33807613 (cited by Women's Health and Genetics/Laboratory Corporation of America, LabCorp); PubMed 9198195 (cited by Women's Health and Genetics/Laboratory Corporation of America, LabCorp); PubMed 19470641 (cited by Women's Health and Genetics/Laboratory Corporation of America, LabCorp).

NM_000552.5(VWF):c.4628C>T (p.Ser1543Phe)

Gene: VWF (von Willebrand factor; minus strand). Cytogenetic location: 12p13.31.
Variant type: single nucleotide variant.
Coding change: c.4628C>T on transcript NM_000552.5 (MANE Select); coding-DNA position 4628, C replaced by T.
Protein change: p.Ser1543Phe; replaces serine 1543 with phenylalanine.
Molecular consequence: missense variant.
Genome position (GRCh38, 1-based): chr12:6,018,790, G>A on the plus strand (C>T on the coding strand, the complement: VWF is on the minus strand). VCF-style: chr12-6018790-G-A. GRCh37 (hg19) VCF-style: chr12-6127956-G-A.
Other names: short protein forms S1543F.
Identifiers: ClinVar variation 100376 (VCV000100376.2), dbSNP rs267607344, ClinGen allele CA228628.